The following is an entry in ClinVar:

NM_001080495.3(TNRC18):c.7872C>A (p.Ser2624=)

Gene: TNRC18 (trinucleotide repeat containing 18; minus strand). Cytogenetic location: 7p22.1.
Variant type: single nucleotide variant.
Coding change: c.7872C>A on transcript NM_001080495.3 (MANE Select); coding-DNA position 7872, C replaced by A.
Protein change: p.Ser2624=; no amino-acid change (serine 2624 retained).
Molecular consequence: synonymous variant.
Genome position (GRCh38, 1-based): chr7:5,313,019, G>T on the plus strand (C>A on the coding strand, the complement: TNRC18 is on the minus strand). VCF-style: chr7-5313019-G-T. GRCh37 (hg19) VCF-style: chr7-5352650-G-T.
Identifiers: ClinVar variation 742873 (VCV000742873.12), dbSNP rs112435102, ClinGen allele CA4143579.

ClinVar aggregate classification (germline): Likely benign. Review status: criteria provided, multiple submitters, no conflicts (2 of 4 stars). 3 submissions from 3 submitters: Likely benign (3). Last evaluated 2025-09-01.

Allele frequency attached by ClinVar (database versions not stated): ExAC below 0.00001; gnomAD exomes 0.00003; gnomAD 0.00005; 1000 Genomes Project 30x 0.00031.
gnomAD v4.1: 32 of 871,862 alleles (0.0037%); highest among the groups gnomAD compares: Middle Eastern, 0.032%; no homozygotes.

Submissions (3):

CeGaT Center for Human Genetics Tuebingen
Classification: Likely benign. Last evaluated: 2025-09-01. Review status: criteria provided, single submitter. Criteria: CeGaT Center For Human Genetics Tuebingen Variant Classification Criteria Version 2. Collection method: clinical testing. Allele origin: germline. Affected: yes. Observed: 1 variant allele.
Comment: TNRC18: BP4, BP7

Labcorp Genetics (formerly Invitae), Labcorp
Classification: Likely benign. Last evaluated: 2018-04-12. Review status: criteria provided, single submitter. Criteria: Invitae Variant Classification Sherloc (09022015). Collection method: clinical testing. Allele origin: germline.

Breakthrough Genomics
Classification: Likely benign. Review status: criteria provided, single submitter. Criteria: ACMG Guidelines, 2015. Collection method: not provided. Allele origin: germline. Inheritance: Unknown mechanism. Affected: yes.